The following is an entry in ClinVar:

ClinVar aggregate classification (germline): Uncertain significance (1 of 4 stars; one submission).

Conditions:
Fanconi anemia complementation group E (FANCE). Also called: FANCE-Related Fanconi Anemia. Identifiers: Orphanet 84, MedGen C3160739, MONDO:0010953, OMIM 600901.

gnomAD v4.1: 1 of 1,614,216 alleles (0.000062%); no homozygotes.

Submission:

Labcorp Genetics (formerly Invitae), Labcorp
Classification: Uncertain significance for Fanconi anemia complementation group E. Last evaluated: 2021-05-25. Review status: criteria provided, single submitter. Criteria: Invitae Variant Classification Sherloc (09022015). Collection method: clinical testing. Allele origin: germline.
Comment: This sequence change creates a premature translational stop signal (p.Gln501*) in the FANCE gene. While this is not anticipated to result in nonsense mediated decay, it is expected to disrupt the last 36 amino acid(s) of the FANCE protein. This variant is not present in population databases (ExAC no frequency). This variant has not been reported in the literature in individuals with FANCE-related conditions. In summary, the available evidence is currently insufficient to determine the role of this variant in disease. Therefore, it has been classified as a Variant of Uncertain Significance.

NM_021922.3(FANCE):c.1501C>T (p.Gln501Ter)

Gene: FANCE (FA complementation group E; plus strand). Cytogenetic location: 6p21.31.
Variant type: single nucleotide variant.
Coding change: c.1501C>T on transcript NM_021922.3 (MANE Select); coding-DNA position 1501, C replaced by T.
Protein change: p.Gln501Ter; replaces glutamine 501 with a stop codon.
Molecular consequence: nonsense.
Genome position (GRCh38, 1-based): chr6:35,462,906, C>T. VCF-style: chr6-35462906-C-T. GRCh37 (hg19) VCF-style: chr6-35430683-C-T.
Other names: short protein forms Q501*.
Identifiers: ClinVar variation 1475402 (VCV001475402.6), dbSNP rs746321808, ClinGen allele CA363778095.